The following is an entry in ClinVar:

ClinVar aggregate classification (germline): Uncertain significance. Review status: criteria provided, multiple submitters, no conflicts (2 of 4 stars). 7 submissions from 7 submitters: Uncertain significance (7). Last evaluated 2025-11-12.

Conditions:
Hereditary cancer-predisposing syndrome. Also called: Neoplastic Syndromes, Hereditary; Tumor predisposition; Hereditary Cancer Syndrome; Hereditary neoplastic syndrome. Identifiers: Orphanet 140162, MedGen C0027672, MeSH D009386, MONDO:0015356.
Familial cancer of breast. Also called: BREAST CANCER, FAMILIAL; hereditary breast carcinoma; Hereditary breast cancer. Identifiers: Orphanet 227535, MedGen C0346153, MONDO:0016419, OMIM 114480. Disease mechanism: loss of function.

gnomAD v4.1: 39 of 1,598,678 alleles (0.0024%); highest among the groups gnomAD compares: Admixed American, 0.0034%; no homozygotes.

Submissions (7):

Ambry Genetics
Classification: Uncertain significance for Hereditary cancer-predisposing syndrome. Last evaluated: 2025-11-12. Review status: criteria provided, single submitter. Criteria: Ambry Variant Classification Scheme 2023. Collection method: clinical testing. Allele origin: germline.
Comment: The p.E19D variant (also known as c.57G>C), located in coding exon 1 of the BARD1 gene, results from a G to C substitution at nucleotide position 57. The glutamic acid at codon 19 is replaced by aspartic acid, an amino acid with highly similar properties. This alteration was previously observed in 1/3236 invasive epithelial ovarian cancer cases and in 0/3431 controls of European origin (Ramus SJ et al. J. Natl. Cancer Inst. 2015 Nov;107(11). This amino acid position is poorly conserved in available vertebrate species. In addition, this alteration is predicted to be tolerated by in silico analysis. Since supporting evidence is limited at this time, the clinical significance of this alteration remains unclear.

Labcorp Genetics (formerly Invitae), Labcorp
Classification: Uncertain significance for Familial cancer of breast. Last evaluated: 2025-10-20. Review status: criteria provided, single submitter. Criteria: Invitae Variant Classification Sherloc (09022015). Collection method: clinical testing. Allele origin: germline.
Comment: This sequence change replaces glutamic acid, which is acidic and polar, with aspartic acid, which is acidic and polar, at codon 19 of the BARD1 protein (p.Glu19Asp). This variant is present in population databases (rs730881406, gnomAD 0.003%). This missense change has been observed in individual(s) with ovarian cancer (PMID: 26315354). ClinVar contains an entry for this variant (Variation ID: 231447). An algorithm developed to predict the effect of missense changes on protein structure and function (PolyPhen-2) suggests that this variant is likely to be tolerated. In summary, the available evidence is currently insufficient to determine the role of this variant in disease. Therefore, it has been classified as a Variant of Uncertain Significance.

GeneDx
Classification: Uncertain significance. Last evaluated: 2025-02-07. Review status: criteria provided, single submitter. Criteria: GeneDx Variant Classification Process June 2021. Collection method: clinical testing. Allele origin: germline. Affected: yes.
Comment: Not observed at significant frequency in large population cohorts (gnomAD); In silico analysis supports that this missense variant does not alter protein structure/function; Observed in individuals with ovarian cancer (PMID: 26315354); This variant is associated with the following publications: (PMID: 26787654, 33471991, 26315354)

Color Diagnostics, LLC DBA Color Health
Classification: Uncertain significance for Hereditary cancer-predisposing syndrome. Last evaluated: 2023-03-20. Review status: criteria provided, single submitter. Criteria: ACMG Guidelines, 2015. Collection method: clinical testing. Allele origin: germline.
Comment: This missense variant replaces glutamic acid with aspartic acid at codon 19 of the BARD1 protein. Computational prediction tool suggests that this variant may not impact protein structure and function (internally defined REVEL score threshold <= 0.5, PMID: 27666373). To our knowledge, functional studies have not been performed for this variant. This variant has been reported in an individual affected with ovarian cancer (PMID: 26315354). In a large international case-control study, this variant was reported in 4/60466 breast cancer cases and absent in 53461 controls (PMID: 33471991). This variant has been identified in 2/218120 chromosomes in the general population by the Genome Aggregation Database (gnomAD). The available evidence is insufficient to determine the role of this variant in disease conclusively. Therefore, this variant is classified as a Variant of Uncertain Significance.

Quest Diagnostics Nichols Institute San Juan Capistrano
Classification: Uncertain significance. Last evaluated: 2022-10-21. Review status: criteria provided, single submitter. Criteria: Quest Diagnostics criteria. Collection method: clinical testing. Allele origin: unknown.
Comment: The frequency of this variant in the general population, 0.0000092 (2/218120 chromosomes), is uninformative in assessment of its pathogenicity. In the published literature, the variant has been reported in an individual with ovarian cancer (PMID: 26315354 (2015)). In a large-scale breast cancer association study, the variant was observed in an individual with breast cancer (PMID: 33471991 (2021), see also LOVD). Analysis of this variant using bioinformatics tools for the prediction of the effect of amino acid changes on protein structure and function yielded predictions that this variant is benign. Based on the available information, we are unable to determine the clinical significance of this variant.

Sema4
Classification: Uncertain significance for Hereditary cancer-predisposing syndrome. Last evaluated: 2021-12-14. Review status: criteria provided, single submitter. Criteria: Sema4 Curation Guidelines. Collection method: curation. Allele origin: germline.
Comment: The BARD1 c.57G>C (p.E19D) missense variant has been reported in an individual with ovarian cancer (PMID 26315354) and in a study of 1297 breast cancer cases and 1121 controls (PMID 26787654). This variant is also reported in 4 cases and not in controls in a large dataset of 60,466 women with breast cancer and 53,461controls (PMID 33471991). This variant was observed in 1/32972 chromosomes in the Latino population according to the Genome Aggregation Database (PMID: 32461654). This variant has been reported in ClinVar (Variation ID 231447). Functional studies have not been performed, and in silico predictions of the variant's effect on protein function are inconclusive. The overall evidence is insufficient to meet ACMG/AMP criteria for classifying it as benign or pathogenic. In summary, the clinical significance of this variant is currently uncertain.

Breakthrough Genomics
Classification: Uncertain significance. Review status: criteria provided, single submitter. Criteria: ACMG Guidelines, 2015. Collection method: not provided. Allele origin: germline. Inheritance: Autosomal dominant inheritance. Affected: yes.

Literature cited by the submitters: PubMed 26315354 (cited by 5 submitters); PubMed 33471991 (cited by 3 submitters); PubMed 26787654 (cited by Sema4).

NM_000465.4(BARD1):c.57G>C (p.Glu19Asp)

Gene: BARD1 (BRCA1 associated RING domain 1; minus strand). Cytogenetic location: 2q35.
Variant type: single nucleotide variant.
Coding change: c.57G>C on transcript NM_000465.4 (MANE Select); coding-DNA position 57, G replaced by C.
Protein change: p.Glu19Asp; replaces glutamic acid 19 with aspartic acid.
Molecular consequence: missense variant. On other transcripts: non-coding transcript variant (3).
Genome position (GRCh38, 1-based): chr2:214,809,513, C>G on the plus strand (G>C on the coding strand, the complement: BARD1 is on the minus strand). VCF-style: chr2-214809513-C-G. GRCh37 (hg19) VCF-style: chr2-215674237-C-G.
Other names: c.57G>C, p.Glu19Asp (NM_001282543.2, NM_001282545.2, NM_001282548.2 and 1 more transcripts); short protein forms E19D.
Identifiers: ClinVar variation 231447 (VCV000231447.28), dbSNP rs730881406, ClinGen allele CA2090529.